The following is an entry in ClinVar:

ClinVar aggregate classification (germline): Conflicting classifications of pathogenicity. Review status: criteria provided, conflicting classifications (1 of 4 stars). 2 submissions from 2 submitters: Likely pathogenic (1); Uncertain significance (1). Last evaluated 2026-07-15.

Conditions:
Familial renal glucosuria (GLYS). Also called: RENAL GLUCOSURIA, AUTOSOMAL DOMINANT; Familial renal glycosuria. Identifiers: Orphanet 69076, MedGen C3245525, MONDO:0009297, OMIM 233100.

gnomAD v4.1: 26 of 1,613,568 alleles (0.0016%); highest among the groups gnomAD compares: East Asian, 0.0045%; no homozygotes.

Submissions (2):

Institute of Human Genetics, University of Leipzig Medical Center
Classification: Uncertain significance for Familial renal glucosuria. Last evaluated: 2026-07-15. Review status: criteria provided, single submitter. Criteria: ACMG Guidelines, 2015. Collection method: clinical testing. Allele origin: unknown. Inheritance: Autosomal dominant inheritance. Affected: yes.
Comment: Criteria applied: PP4_MOD,PS4_SUP,PM1_SUP,PP3

MVZ Medizinische Genetik Mainz
Classification: Likely pathogenic for Familial renal glucosuria. Last evaluated: 2023-10-12. Review status: criteria provided, single submitter. Criteria: UK Practice Guidelines For Variant Classification V4 01 2020. Collection method: clinical testing. Allele origin: germline. Inheritance: Autosomal dominant inheritance. Affected: yes. Observed: 1 variant allele.

NM_003041.4(SLC5A2):c.346G>A (p.Val116Met)

Gene: SLC5A2 (solute carrier family 5 member 2; plus strand). Cytogenetic location: 16p11.2.
Variant type: single nucleotide variant.
Coding change: c.346G>A on transcript NM_003041.4 (MANE Select); coding-DNA position 346, G replaced by A.
Protein change: p.Val116Met; replaces valine 116 with methionine.
Molecular consequence: missense variant. On other transcripts: non-coding transcript variant (1).
Genome position (GRCh38, 1-based): chr16:31,485,771, G>A. VCF-style: chr16-31485771-G-A. GRCh37 (hg19) VCF-style: chr16-31497092-G-A.
Other names: short protein forms V116M.
Identifiers: ClinVar variation 4857303 (VCV004857303.2).
Genomic context (GRCh38, chr16:31,485,771, plus strand): 5'-CAGTACTGCCCCCCGTAGGCGCTCTTCGTGGTGCTGCTACTGGGCTGGCTGTTTGCACCC[G>A]TGTACCTGACAGCGGGGGTCATCACGATGCCACAGTACCTGCGCAAGCGCTTCGGCGGCC-3'
Protein context (NP_003032.1, residues 106-126): VLLLGWLFAP[Val116Met]YLTAGVITMP